The following is an entry in ClinVar:

ClinVar aggregate classification (germline): Benign/Likely benign. Review status: criteria provided, multiple submitters, no conflicts (2 of 4 stars). 8 submissions from 7 submitters: Benign (4); Likely benign (2). 2 of the submissions do not count toward it. Last evaluated 2026-01-19.

Conditions:
Autosomal dominant nonsyndromic hearing loss 17. Also called: Deafness, autosomal dominant 17; Autosomal dominant nonsyndromic deafness 17. Identifiers: Orphanet 90635, MedGen C1863659, MONDO:0011350, OMIM 603622.
MYH9-related disorder. Identifiers: MedGen C1854520.

Allele frequency attached by ClinVar (database versions not stated): gnomAD exomes 0.00103 and 0.00161; ExAC 0.00104; TOPMed 0.00104; gnomAD 0.00106 and 0.00114; ESP Exome Variant Server 0.00200; 1000 Genomes Project 30x 0.00016; 1000 Genomes Project 0.00020.
gnomAD v4.1: 2,473 of 1,613,476 alleles (0.15%); highest among the groups gnomAD compares: Non-Finnish European, 0.2%; 7 homozygotes.

Submissions (8):

Labcorp Genetics (formerly Invitae), Labcorp
Classification: Benign. Last evaluated: 2026-01-19. Review status: criteria provided, single submitter. Criteria: Invitae Variant Classification Sherloc (09022015). Collection method: clinical testing. Allele origin: germline.

Blueprint Genetics
Classification: Likely benign. Last evaluated: 2024-11-06. Review status: criteria provided, single submitter. Criteria: ACMG Guidelines, 2015. Collection method: clinical testing. Allele origin: germline.

ARUP Laboratories, Molecular Genetics and Genomics, ARUP Laboratories
Classification: Benign. Last evaluated: 2024-02-08. Review status: criteria provided, single submitter. Criteria: ARUP Molecular Germline Variant Investigation Process 2024. Collection method: clinical testing. Allele origin: germline.

Illumina Laboratory Services, Illumina
Classification: Benign for MYH9-related disorder. Last evaluated: 2018-01-13. Review status: criteria provided, single submitter. Criteria: ICSL Variant Classification Criteria 13 December 2019. Collection method: clinical testing. Allele origin: germline.
Comment: This variant was observed in the ICSL laboratory as part of a predisposition screen in an ostensibly healthy population. It had not been previously curated by ICSL or reported in the Human Gene Mutation Database (HGMD: prior to June 1st, 2018), and was therefore a candidate for classification through an automated scoring system. Utilizing variant allele frequency, disease prevalence and penetrance estimates, and inheritance mode, an automated score was calculated to assess if this variant is too frequent to cause the disease. Based on the score and internal cut-off values, a variant classified as benign is not then subjected to further curation. The score for this variant resulted in a classification of benign for this disease.

Illumina Laboratory Services, Illumina
Classification: Likely benign for Autosomal dominant nonsyndromic hearing loss 17. Last evaluated: 2018-01-13. Review status: criteria provided, single submitter. Criteria: ICSL Variant Classification Criteria 13 December 2019. Collection method: clinical testing. Allele origin: germline.
Comment: This variant was observed in the ICSL laboratory as part of a predisposition screen in an ostensibly healthy population. It had not been previously curated by ICSL or reported in the Human Gene Mutation Database (HGMD: prior to June 1st, 2018), and was therefore a candidate for classification through an automated scoring system. Utilizing variant allele frequency, disease prevalence and penetrance estimates, and inheritance mode, an automated score was calculated to assess if this variant is too frequent to cause the disease. Based on the score and internal cut-off values, a variant classified as likely benign is not then subjected to further curation. The score for this variant resulted in a classification of likely benign for this disease.

Laboratory for Molecular Medicine, Mass General Brigham Personalized Medicine
Classification: Benign. Last evaluated: 2015-02-26. Review status: criteria provided, single submitter. Criteria: LMM Criteria. Collection method: clinical testing. Allele origin: germline. Observed: 3 variant alleles.
Comment: c.705+11C>T in intron 06 of MYH9: This variant is not expected to have clinical significance because it is not located within the conserved splice consensus seq uence and has been identified in 0.2% (114/65762) of European chromosomes by the Exome Aggregation Consortium (ExAC; dbSNP rs368 753427).

Genome Diagnostics Laboratory, University Medical Center Utrecht
Classification: Likely benign. Review status: no assertion criteria provided. Collection method: clinical testing. Allele origin: germline. Affected: yes. Study: VKGL Data-share Consensus. Not counted in ClinVar's aggregate classification.

Joint Genome Diagnostic Labs from Nijmegen and Maastricht, Radboudumc and MUMC+
Classification: Likely benign. Review status: no assertion criteria provided. Collection method: clinical testing. Allele origin: germline. Affected: yes. Study: VKGL Data-share Consensus. Not counted in ClinVar's aggregate classification.

NM_002473.6(MYH9):c.705+11C>T

Gene: MYH9 (myosin heavy chain 9; minus strand). Cytogenetic location: 22q12.3.
Variant type: single nucleotide variant.
Coding change: c.705+11C>T on transcript NM_002473.6 (MANE Select); 11 bases into the intron after coding-DNA position 705, C replaced by T.
Molecular consequence: intron variant.
Genome position (GRCh38, 1-based): chr22:36,322,418, G>A on the plus strand (C>T on the coding strand, the complement: MYH9 is on the minus strand). VCF-style: chr22-36322418-G-A. GRCh37 (hg19) VCF-style: chr22-36718463-G-A.
Identifiers: ClinVar variation 164462 (VCV000164462.20), dbSNP rs201738304, ClinGen allele CA177150.